The following is an entry in ClinVar:

ClinVar aggregate classification (germline): Likely pathogenic (1 of 4 stars; one submission).

Conditions:
Junctional epidermolysis bullosa. Identifiers: Orphanet 305, MedGen C0079301, MONDO:0017612.

Submission:

Myriad Genetics, Inc.
Classification: Likely pathogenic for Junctional epidermolysis bullosa. Last evaluated: 2022-05-18. Review status: criteria provided, single submitter. Criteria: Myriad Autosomal Dominant, Autosomal Recessive and X-Linked Classification Criteria (2023). Collection method: clinical testing. Allele origin: unknown.
Comment: NM_000228.2(LAMB3):c.2706dupC(D903Rfs*3) is expected to be pathogenic in the context of junctional epidermolysis bullosa, LAMB3-related. This variant is predicted to lead to an abnormal or absent protein product due to the creation of a premature termination codon in LAMB3, a gene where loss-of-function variants are known to be pathogenic. Please note: this variant was assessed in the context of healthy population screening.

NM_000228.3(LAMB3):c.2706dup (p.Asp903fs)

Gene: LAMB3 (laminin subunit beta 3; minus strand). Cytogenetic location: 1q32.2.
Variant type: Duplication.
Coding change: c.2706dup on transcript NM_000228.3 (MANE Select); coding-DNA position 2706, one base duplicated (C; older notation c.2706dupC).
Protein change: p.Asp903fs; shifts the reading frame from aspartic acid 903.
Molecular consequence: frameshift variant.
Genome position (GRCh38, 1-based): chr1:209,618,655, G duplicated on the plus strand (C on the coding strand, the reverse complement: LAMB3 is on the minus strand); the first of 4 consecutive G bases (chr1:209,618,655-209,618,658); duplicating any one gives the same sequence. VCF-style (leftmost placement, unchanged base first): chr1-209618654-C-CG. GRCh37 (hg19) VCF-style: chr1-209791999-C-CG.
Other names: c.2706dup, p.Asp903fs (NM_001017402.2, NM_001127641.1); short protein forms D903fs.
Identifiers: ClinVar variation 1726145 (VCV001726145.3), dbSNP rs2464764779, ClinGen allele CA2580061995.